The following is an entry in ClinVar:

NM_001447.3(FAT2):c.9811+15C>T

Genes: SLC36A1 (solute carrier family 36 member 1; plus strand), FAT2 (FAT atypical cadherin 2; minus strand). Cytogenetic location: 5q33.1.
Variant type: single nucleotide variant.
Coding change: c.9811+15C>T on transcript NM_001447.3 (MANE Select); 15 bases into the intron after coding-DNA position 9811, C replaced by T.
Molecular consequence: intron variant.
Genome position (GRCh38, 1-based): chr5:151,531,572, G>A on the plus strand (C>T on the coding strand, the complement: FAT2 is on the minus strand). VCF-style: chr5-151531572-G-A. GRCh37 (hg19) VCF-style: chr5-150911133-G-A.
Identifiers: ClinVar variation 2637745 (VCV002637745.2), dbSNP rs1008763296, ClinGen allele CA129941043.

ClinVar aggregate classification (germline): Likely benign. Review status: criteria provided, multiple submitters, no conflicts (2 of 4 stars). 2 submissions from 2 submitters: Likely benign (2). Last evaluated 2024-09-06.

Allele frequency attached by ClinVar (database versions not stated): gnomAD 0.00001; TOPMed 0.00001; gnomAD exomes 0.00002.
gnomAD v4.1: 13 of 1,611,576 alleles (0.00081%); highest among the groups gnomAD compares: Non-Finnish European, 0.00085%; no homozygotes.

Submissions (2):

Blueprint Genetics
Classification: Likely benign. Last evaluated: 2024-09-06. Review status: criteria provided, single submitter. Criteria: ACMG Guidelines, 2015. Collection method: clinical testing. Allele origin: germline.

Women's Health and Genetics/Laboratory Corporation of America, LabCorp
Classification: Likely benign. Last evaluated: 2023-10-16. Review status: criteria provided, single submitter. Criteria: LabCorp Variant Classification Summary - May 2015. Collection method: clinical testing. Allele origin: germline.
Comment: Variant summary: FAT2 c.9811+15C>T alters a non-conserved nucleotide located at a position not widely known to affect splicing. Consensus agreement among computation tools predict no significant impact on normal splicing. However, these predictions have yet to be confirmed by functional studies. The variant allele was found at a frequency of 4e-06 in 247716 control chromosomes (gnomAD). The available data on variant occurrences in the general population are insufficient to allow any conclusion about variant significance. To our knowledge, no occurrence of c.9811+15C>T in individuals affected with Spinocerebellar Ataxia 45 and no experimental evidence demonstrating its impact on protein function have been reported. No submitters have cited clinical-significance assessments for this variant to ClinVar after 2014. Based on the evidence outlined above, the variant was classified as likely benign.